The following is an entry in ClinVar:

NM_001036.6(RYR3):c.9442C>T (p.Arg3148Trp)

Gene: RYR3 (ryanodine receptor 3; plus strand). Cytogenetic location: 15q14.
Variant type: single nucleotide variant.
Coding change: c.9442C>T on transcript NM_001036.6 (MANE Select); coding-DNA position 9442, C replaced by T.
Protein change: p.Arg3148Trp; replaces arginine 3148 with tryptophan.
Molecular consequence: missense variant.
Genome position (GRCh38, 1-based): chr15:33,785,835, C>T. VCF-style: chr15-33785835-C-T. GRCh37 (hg19) VCF-style: chr15-34078036-C-T.
Other names: c.9442C>T, p.Arg3148Trp (NM_001243996.4); short protein forms R3148W.
Identifiers: ClinVar variation 952714 (VCV000952714.10), dbSNP rs1005334198, ClinGen allele CA268602792.
Genomic context (GRCh38, chr15:33,785,835, plus strand): 5'-CCCCATGTCATCGAGGTGATCTTACCCATGCTCTGCAACTACTTGTCCTACTGGTGGGAG[C>T]GGGGTCCTGAGAACCTGCCCCCCAGCACAGGGCCATGCTGCACCAAGGTCACCTCTGAAC-3'
Protein context (NP_001027.3, residues 3138-3158): LCNYLSYWWE[Arg3148Trp]GPENLPPSTG

ClinVar aggregate classification (germline): Uncertain significance. Review status: criteria provided, multiple submitters, no conflicts (2 of 4 stars). 2 submissions from 2 submitters: Uncertain significance (2). Last evaluated 2022-09-27.

Conditions:
Epileptic encephalopathy. Identifiers: MedGen C0543888, HP:0200134.

Allele frequency attached by ClinVar (database versions not stated): gnomAD 0.00001; gnomAD exomes 0.00001.
gnomAD v4.1: 9 of 1,613,776 alleles (0.00056%); highest among the groups gnomAD compares: Non-Finnish European, 0.00042%; no homozygotes.

Submissions (2):

Clinical Genetics Laboratory, Skane University Hospital Lund
Classification: Uncertain significance. Last evaluated: 2022-09-27. Review status: criteria provided, single submitter. Criteria: ACMG Guidelines, 2015. Collection method: clinical testing. Allele origin: germline. Affected: yes.

Labcorp Genetics (formerly Invitae), Labcorp
Classification: Uncertain significance for Epileptic encephalopathy. Last evaluated: 2019-07-31. Review status: criteria provided, single submitter. Criteria: Invitae Variant Classification Sherloc (09022015). Collection method: clinical testing. Allele origin: germline.
Comment: This sequence change replaces arginine with tryptophan at codon 3148 of the RYR3 protein (p.Arg3148Trp). The arginine residue is moderately conserved and there is a moderate physicochemical difference between arginine and tryptophan. This variant is not present in population databases (ExAC no frequency). This variant has not been reported in the literature in individuals with RYR3-related conditions. Algorithms developed to predict the effect of missense changes on protein structure and function are either unavailable or do not agree on the potential impact of this missense change (SIFT: "Deleterious"; PolyPhen-2: "Benign"; Align-GVGD: "Class C0"). In summary, the available evidence is currently insufficient to determine the role of this variant in disease. Therefore, it has been classified as a Variant of Uncertain Significance.